The following is an entry in ClinVar:

ClinVar aggregate classification (germline): Benign/Likely benign. Review status: criteria provided, multiple submitters, no conflicts (2 of 4 stars). 9 submissions from 9 submitters: Benign (1); Likely benign (6). 2 of the submissions do not count toward it. Last evaluated 2026-01-31.

Conditions:
VLDLR-related disorder. Also called: VLDLR-related condition.
Cerebellar ataxia, impaired intellectual development, and dysequilibrium syndrome 1. Also called: CEREBELLAR ATAXIA AND MENTAL RETARDATION WITH OR WITHOUT QUADRUPEDAL LOCOMOTION 1; CEREBELLAR ATAXIA, CONGENITAL, AND MENTAL RETARDATION, AUTOSOMAL RECESSIVE; VLDLR Cerebellar Hypoplasia; Cerebellar hypoplasia and mental retardation with or without quadrupedal locomotion 1; Cerebellar ataxia, intellectual disability, and dysequilibrium syndrome 1; Cerebellar ataxia, mental retardation, and dysequilibrium syndrome 1. Identifiers: Orphanet 1766, MedGen C4551552, MONDO:0024542, OMIM 224050.

Allele frequency attached by ClinVar (database versions not stated): gnomAD 0.00223; TOPMed 0.00281; 1000 Genomes Project 0.00300; ESP Exome Variant Server 0.00346; 1000 Genomes Project 30x 0.00359.
gnomAD v4.1: 1,190 of 1,613,896 alleles (0.074%); highest among the groups gnomAD compares: African/African-American, 0.77%; 1 homozygote.

Submissions (9):

Labcorp Genetics (formerly Invitae), Labcorp
Classification: Likely benign. Last evaluated: 2026-01-31. Review status: criteria provided, single submitter. Criteria: Invitae Variant Classification Sherloc (09022015). Collection method: clinical testing. Allele origin: germline.

Mayo Clinic Laboratories, Mayo Clinic
Classification: Likely benign. Last evaluated: 2025-03-25. Review status: criteria provided, single submitter. Criteria: ACMG Guidelines, 2015. Collection method: clinical testing. Allele origin: germline. Observed: 2 variant alleles.
Comment: BS1, BP4

Blueprint Genetics
Classification: Likely benign. Last evaluated: 2024-10-29. Review status: criteria provided, single submitter. Criteria: ACMG Guidelines, 2015. Collection method: clinical testing. Allele origin: germline.

CeGaT Center for Human Genetics Tuebingen
Classification: Likely benign. Last evaluated: 2024-02-01. Review status: criteria provided, single submitter. Criteria: CeGaT Center For Human Genetics Tuebingen Variant Classification Criteria Version 2. Collection method: clinical testing. Allele origin: germline. Affected: yes. Observed: 1 variant allele.
Comment: VLDLR: BP4, BS2

GeneDx
Classification: Benign. Last evaluated: 2020-06-16. Review status: criteria provided, single submitter. Criteria: GeneDx Variant Classification Process June 2021. Collection method: clinical testing. Allele origin: germline. Affected: yes.

Fulgent Genetics
Classification: Likely benign for Cerebellar ataxia, impaired intellectual development, and dysequilibrium syndrome 1. Last evaluated: 2018-10-31. Review status: criteria provided, single submitter. Criteria: ACMG Guidelines, 2015. Collection method: clinical testing. Allele origin: unknown.

Illumina Laboratory Services, Illumina
Classification: Likely benign for Cerebellar ataxia, impaired intellectual development, and dysequilibrium syndrome 1. Last evaluated: 2018-01-12. Review status: criteria provided, single submitter. Criteria: ICSL Variant Classification Criteria 13 December 2019. Collection method: clinical testing. Allele origin: germline.
Comment: This variant was observed in the ICSL laboratory as part of a predisposition screen in an ostensibly healthy population. It had not been previously curated by ICSL or reported in the Human Gene Mutation Database (HGMD: prior to June 1st, 2018), and was therefore a candidate for classification through an automated scoring system. Utilizing variant allele frequency, disease prevalence and penetrance estimates, and inheritance mode, an automated score was calculated to assess if this variant is too frequent to cause the disease. Based on the score and internal cut-off values, a variant classified as likely benign is not then subjected to further curation. The score for this variant resulted in a classification of likely benign for this disease.

PreventionGenetics, part of Exact Sciences
Classification: Likely benign for VLDLR-related condition. Last evaluated: 2019-12-20. Review status: no assertion criteria provided. Collection method: clinical testing. Allele origin: germline. Not counted in ClinVar's aggregate classification.
Comment: This variant is classified as likely benign based on ACMG/AMP sequence variant interpretation guidelines (Richards et al. 2015 PMID: 25741868, with internal and published modifications).

Genetic Services Laboratory, University of Chicago
Classification: Likely benign for AllHighlyPenetrant. Review status: no assertion criteria provided. Collection method: clinical testing. Allele origin: germline. Inheritance: Autosomal recessive inheritance. Not counted in ClinVar's aggregate classification.
Comment: Likely benign based on allele frequency in 1000 Genomes Project or ESP global frequency and its presence in a patient with a rare or unrelated disease phenotype. NOT Sanger confirmed.

NM_003383.5(VLDLR):c.2291C>T (p.Thr764Met)

Gene: VLDLR (very low density lipoprotein receptor; plus strand). Cytogenetic location: 9p24.2.
Variant type: single nucleotide variant.
Coding change: c.2291C>T on transcript NM_003383.5 (MANE Select); coding-DNA position 2291, C replaced by T.
Protein change: p.Thr764Met; replaces threonine 764 with methionine.
Molecular consequence: missense variant. On other transcripts: intron variant (2).
Genome position (GRCh38, 1-based): chr9:2,651,454, C>T. VCF-style: chr9-2651454-C-T. GRCh37 (hg19) VCF-style: chr9-2651454-C-T.
Other names: p.Thr764Met; c.2168C>T, p.Thr723Met (NM_001322225.2); c.2252-420C>T (NM_001018056.3); c.2129-420C>T (NM_001322226.2); short protein forms T764M, T723M.
Identifiers: ClinVar variation 130708 (VCV000130708.44), dbSNP rs56737058, ClinGen allele CA155922.